The following is an entry in ClinVar:

ClinVar aggregate classification (germline): Uncertain significance (1 of 4 stars; one submission).

Conditions:
Atrial fibrillation, familial, 7 (ATFB7). Identifiers: MedGen C2677106, MONDO:0012828, OMIM 612240.

gnomAD v4.1: 11 of 1,614,132 alleles (0.00068%); highest among the groups gnomAD compares: African/African-American, 0.012%; no homozygotes.

Submission:

Labcorp Genetics (formerly Invitae), Labcorp
Classification: Uncertain significance for Atrial fibrillation, familial, 7. Last evaluated: 2024-10-07. Review status: criteria provided, single submitter. Criteria: Invitae Variant Classification Sherloc (09022015). Collection method: clinical testing. Allele origin: germline.
Comment: This sequence change replaces alanine, which is neutral and non-polar, with valine, which is neutral and non-polar, at codon 457 of the KCNA5 protein (p.Ala457Val). This variant is present in population databases (rs145468399, gnomAD 0.01%). This variant has not been reported in the literature in individuals affected with KCNA5-related conditions. Invitae Evidence Modeling of protein sequence and biophysical properties (such as structural, functional, and spatial information, amino acid conservation, physicochemical variation, residue mobility, and thermodynamic stability) indicates that this missense variant is not expected to disrupt KCNA5 protein function with a negative predictive value of 80%. In summary, the available evidence is currently insufficient to determine the role of this variant in disease. Therefore, it has been classified as a Variant of Uncertain Significance.

NM_002234.4(KCNA5):c.1370C>T (p.Ala457Val)

Gene: KCNA5 (potassium voltage-gated channel subfamily A member 5; plus strand). Cytogenetic location: 12p13.32.
Variant type: single nucleotide variant.
Coding change: c.1370C>T on transcript NM_002234.4 (MANE Select); coding-DNA position 1370, C replaced by T.
Protein change: p.Ala457Val; replaces alanine 457 with valine.
Molecular consequence: missense variant.
Genome position (GRCh38, 1-based): chr12:5,045,517, C>T. VCF-style: chr12-5045517-C-T. GRCh37 (hg19) VCF-style: chr12-5154683-C-T.
Other names: short protein forms A457V.
Identifiers: ClinVar variation 3656529 (VCV003656529.2).
Genomic context (GRCh38, chr12:5,045,517, plus strand): 5'-TCATCTTCTTCCTCTTCATCGGGGTCATCCTCTTCTCCAGTGCCGTCTACTTCGCAGAGG[C>T]TGACAACCAGGGAACCCATTTCTCTAGCATCCCTGACGCCTTCTGGTGGGCAGTGGTCAC-3'
Protein context (NP_002225.2, residues 447-467): LFSSAVYFAE[Ala457Val]DNQGTHFSSI